The following is an entry in ClinVar:

NM_001298.3(CNGA3):c.1307G>A (p.Arg436Gln)

Gene: CNGA3 (cyclic nucleotide gated channel subunit alpha 3; plus strand). Cytogenetic location: 2q11.2.
Variant type: single nucleotide variant.
Coding change: c.1307G>A on transcript NM_001298.3 (MANE Select); coding-DNA position 1307, G replaced by A.
Protein change: p.Arg436Gln; replaces arginine 436 with glutamine.
Molecular consequence: missense variant.
Genome position (GRCh38, 1-based): chr2:98,396,477, G>A. VCF-style: chr2-98396477-G-A. GRCh37 (hg19) VCF-style: chr2-99012940-G-A.
Other names: c.1253G>A, p.Arg418Gln (NM_001079878.2); short protein forms R418Q, R436Q.
Identifiers: ClinVar variation 2581658 (VCV002581658.6), dbSNP rs767083685, ClinGen allele CA1793985.
Genomic context (GRCh38, chr2:98,396,477, plus strand): 5'-AGATTGATTCCATCAAGCAGTACATGCAGTTCCGCAAGGTCACCAAGGACTTGGAGACGC[G>A]GGTTATCCGGTGGTTTGACTACCTGTGGGCCAACAAGAAGACGGTGGATGAGAAGGAGGT-3'
Protein context (NP_001289.1, residues 426-446): FRKVTKDLET[Arg436Gln]VIRWFDYLWA

ClinVar aggregate classification (germline): Conflicting classifications of pathogenicity. Review status: criteria provided, conflicting classifications (1 of 4 stars). 3 submissions from 3 submitters: Likely pathogenic (2); Uncertain significance (1). Last evaluated 2025-05-23.

Conditions:
CNGA3-related disorders.

Allele frequency attached by ClinVar (database versions not stated): gnomAD 0.00001; TOPMed 0.00001; ExAC 0.00005; 1000 Genomes Project 30x 0.00016.
gnomAD v4.1: 31 of 1,613,996 alleles (0.0019%); highest among the groups gnomAD compares: East Asian, 0.025%; no homozygotes.

Submissions (3):

Women's Health and Genetics/Laboratory Corporation of America, LabCorp
Classification: Uncertain significance. Last evaluated: 2025-05-23. Review status: criteria provided, single submitter. Criteria: LabCorp Variant Classification Summary - May 2015. Collection method: clinical testing. Allele origin: germline.
Comment: Variant summary: CNGA3 c.1307G>A (p.Arg436Gln) results in a conservative amino acid change in the encoded protein sequence. Algorithms developed to predict the effect of missense changes on protein structure and function are either unavailable or do not agree on the potential impact of this missense change. The variant allele was found at a frequency of 4.4e-05 in 250734 control chromosomes. This frequency is not significantly higher than estimated for a pathogenic variant in CNGA3 causing Achromatopsia 2, allowing no conclusion about variant significance. c.1307G>A has been reported in the literature in individuals affected with inherited retinal disease including cone-rod dystrophy (Li_2014, Huang_2016, Wang_2019). In one proband, the variant was found in trans with a pathogenic variant, alghough another missense variant of uncertain significance was found in cis. These reports do not provide unequivocal conclusions about association of the variant with Achromatopsia 2. A different variant affecting the same codon has been classified as pathogenic by our lab (c.1306C>T, p.Arg436Trp). However, functional evidence has shown the p.Arg436Gln to be functional normal, while p.Arg436Trp was non-functional (Solaki_2023). Therefore, caution must be used when considering the critical role of the codon to protein function. The following publications have been ascertained in the context of this evaluation (PMID: 26992781, 24903488, 31106028, 31964843, 37689994). ClinVar contains an entry for this variant (Variation ID: 2581658). Based on the evidence outlined above, the variant was classified as uncertain significance.

Labcorp Genetics (formerly Invitae), Labcorp
Classification: Likely pathogenic. Last evaluated: 2023-10-04. Review status: criteria provided, single submitter. Criteria: Invitae Variant Classification Sherloc (09022015). Collection method: clinical testing. Allele origin: germline.
Comment: This sequence change replaces arginine, which is basic and polar, with glutamine, which is neutral and polar, at codon 436 of the CNGA3 protein (p.Arg436Gln). This variant is present in population databases (rs767083685, gnomAD 0.06%). This missense change has been observed in individual(s) with achromatopsia (PMID: 24903488). Advanced modeling of protein sequence and biophysical properties (such as structural, functional, and spatial information, amino acid conservation, physicochemical variation, residue mobility, and thermodynamic stability) performed at Invitae indicates that this missense variant is expected to disrupt CNGA3 protein function. This variant disrupts the p.Arg436 amino acid residue in CNGA3. Other variant(s) that disrupt this residue have been determined to be pathogenic (PMID: 11536077, 17693388, 25943428, 26992781). This suggests that this residue is clinically significant, and that variants that disrupt this residue are likely to be disease-causing. In summary, the currently available evidence indicates that the variant is pathogenic, but additional data are needed to prove that conclusively. Therefore, this variant has been classified as Likely Pathogenic.

Blueprint Genetics
Classification: Likely pathogenic for CNGA3-related disorders. Last evaluated: 2023-06-20. Review status: criteria provided, single submitter. Criteria: ACMG Guidelines, 2015. Collection method: clinical testing. Allele origin: germline. Affected: yes. Observed: 3 variant alleles.

Literature cited by the submitters: PubMed 31106028 (cited by Women's Health and Genetics/Laboratory Corporation of America, LabCorp); PubMed 26992781 (cited by Women's Health and Genetics/Laboratory Corporation of America, LabCorp and Labcorp Genetics (formerly Invitae), Labcorp); PubMed 31964843 (cited by Women's Health and Genetics/Laboratory Corporation of America, LabCorp); PubMed 24903488 (cited by Women's Health and Genetics/Laboratory Corporation of America, LabCorp and Labcorp Genetics (formerly Invitae), Labcorp); PubMed 37689994 (cited by Women's Health and Genetics/Laboratory Corporation of America, LabCorp); PubMed 11536077 (cited by Labcorp Genetics (formerly Invitae), Labcorp); PubMed 17693388 (cited by Labcorp Genetics (formerly Invitae), Labcorp); PubMed 25943428 (cited by Labcorp Genetics (formerly Invitae), Labcorp).